The following is an entry in ClinVar:

NM_007347.5(AP4E1):c.1549G>A (p.Val517Ile)

Gene: AP4E1 (adaptor related protein complex 4 subunit epsilon 1; plus strand). Cytogenetic location: 15q21.2.
Variant type: single nucleotide variant.
Coding change: c.1549G>A on transcript NM_007347.5 (MANE Select); coding-DNA position 1549, G replaced by A.
Protein change: p.Val517Ile; replaces valine 517 with isoleucine.
Molecular consequence: missense variant.
Genome position (GRCh38, 1-based): chr15:50,958,492, G>A. VCF-style: chr15-50958492-G-A. GRCh37 (hg19) VCF-style: chr15-51250689-G-A.
Other names: c.1324G>A, p.Val442Ile (NM_001252127.2); short protein forms V517I, V442I.
Identifiers: ClinVar variation 242435 (VCV000242435.2), dbSNP rs760021635.

ClinVar aggregate classification (germline): Uncertain significance (1 of 4 stars; one submission).

Allele frequency attached by ClinVar (database versions not stated): gnomAD exomes below 0.00001 and 0.00001; TOPMed below 0.00001; gnomAD 0.00001; ExAC 0.00002.
gnomAD v4.1: 3 of 1,607,798 alleles (0.00019%); highest among the groups gnomAD compares: African/African-American, 0.0013%; no homozygotes.

Submission:

Kariminejad - Najmabadi Pathology & Genetics Center
Classification: Uncertain significance. Last evaluated: 2018-06-30. Review status: criteria provided, single submitter. Criteria: ACMG Guidelines, 2015. Collection method: clinical testing. Allele origin: germline. Inheritance: Autosomal recessive inheritance. Affected: yes.
Comment: PM2 PP3 PP5